The following is an entry in ClinVar:

ClinVar aggregate classification (germline): Uncertain significance. Review status: criteria provided, multiple submitters, no conflicts (2 of 4 stars). 2 submissions from 2 submitters: Uncertain significance (2). Last evaluated 2025-12-26.

Conditions:
Familial adenomatous polyposis 1 (FAP1). Also called: FAMILIAL ADENOMATOUS POLYPOSIS 1, ATTENUATED; POLYPOSIS, ADENOMATOUS INTESTINAL. Identifiers: MedGen C2713442, MONDO:0021056, OMIM 175100. Disease mechanism: loss of function.

Allele frequency attached by ClinVar (database versions not stated): TOPMed 0.00001; gnomAD 0.00001.
gnomAD v4.1: 11 of 1,167,534 alleles (0.00094%); highest among the groups gnomAD compares: Middle Eastern, 0.022%; no homozygotes.

Submissions (2):

Labcorp Genetics (formerly Invitae), Labcorp
Classification: Uncertain significance for Familial adenomatous polyposis 1. Last evaluated: 2025-12-26. Review status: criteria provided, single submitter. Criteria: Invitae Variant Classification Sherloc (09022015). Collection method: clinical testing. Allele origin: germline.
Comment: This variant occurs in a non-coding region of the APC gene. It does not change the encoded amino acid sequence of the APC protein. This variant is not present in population databases (gnomAD no frequency). This variant has not been reported in the literature in individuals affected with APC-related conditions. ClinVar contains an entry for this variant (Variation ID: 469821). Experimental studies and prediction algorithms are not available or were not evaluated, and the functional significance of this variant is currently unknown. In summary, the available evidence is currently insufficient to determine the role of this variant in disease. Therefore, it has been classified as a Variant of Uncertain Significance.

Breakthrough Genomics
Classification: Uncertain significance. Review status: criteria provided, single submitter. Criteria: ACMG Guidelines, 2015. Collection method: not provided. Allele origin: germline. Inheritance: Autosomal dominant inheritance. Affected: yes.

NM_001127511.3(APC):c.-113A>G

Gene: APC (APC regulator of Wnt signaling pathway; plus strand). Cytogenetic location: 5q22.2.
Variant type: single nucleotide variant.
Coding change: c.-113A>G on transcript NM_001127511.3; 113 bases upstream of the start codon, A replaced by G.
Molecular consequence: 5 prime UTR variant. On other transcripts: non-coding transcript variant (2).
Genome position (GRCh38, 1-based): chr5:112,707,605, A>G. VCF-style: chr5-112707605-A-G. GRCh37 (hg19) VCF-style: chr5-112043302-A-G.
Other names: c.-296A>G (NM_001354895.2, NM_001407447.1, NM_001407452.1 and 3 more transcripts); c.-113A>G (NM_001354897.2, NM_001354902.2, NM_001407446.1); c.-63A>G (NM_001407448.1, NM_001407450.1, NM_001407457.1 and 1 more transcripts); c.-87A>G (NM_001407453.1); c.-1331A>G (NM_001407470.1, NM_001407472.1).
Identifiers: ClinVar variation 469821 (VCV000469821.10), dbSNP rs1052992527, ClinGen allele CA124925024.
Genomic context (GRCh38, chr5:112,707,605, plus strand): 5'-AAGGGGGCGGGGTGTGGCCGCCGGAAGCCTAGCCGCTGCTCGGGGGGGACCTGCGGGCTC[A>G]GGCCCGGGAGCTGCGGACCGAGGTTGGCTCGATGCTGTTCCCAGGTACTGTTGTTGGCTG-3'